The following is an entry in ClinVar:

ClinVar aggregate classification (germline): Pathogenic. Review status: criteria provided, multiple submitters, no conflicts (2 of 4 stars). 12 submissions from 12 submitters: Pathogenic (9). 3 of the submissions do not count toward it. Last evaluated 2026-01-10.

Conditions:
DHCR7-related disorder. Also called: DHCR7-related condition.
Smith-Lemli-Opitz syndrome (SLOS). Also called: POLYDACTYLY, SEX REVERSAL, RENAL HYPOPLASIA, AND UNILOBAR LUNG; RSH SYNDROME; RUTLEDGE LETHAL MULTIPLE CONGENITAL ANOMALY SYNDROME; 7-Dehydrocholesterol reductase deficiency; LETHAL ACRODYSGENITAL SYNDROME. Identifiers: Orphanet 818, MedGen C0175694, MONDO:0010035, OMIM 270400.

Allele frequency attached by ClinVar (database versions not stated): TOPMed below 0.00001; gnomAD 0.00001; 1000 Genomes Project 30x 0.00016; 1000 Genomes Project 0.00020.
gnomAD v4.1: 29 of 1,612,012 alleles (0.0018%); highest among the groups gnomAD compares: East Asian, 0.013%; no homozygotes.

Submissions (12):

Labcorp Genetics (formerly Invitae), Labcorp
Classification: Pathogenic for Smith-Lemli-Opitz syndrome. Last evaluated: 2026-01-10. Review status: criteria provided, single submitter. Criteria: Invitae Variant Classification Sherloc (09022015). Collection method: clinical testing. Allele origin: germline.
Comment: This sequence change replaces arginine, which is basic and polar, with glutamine, which is neutral and polar, at codon 352 of the DHCR7 protein (p.Arg352Gln). This variant is present in population databases (rs121909768, gnomAD 0.01%). This missense change has been observed in individual(s) with DHCR7-related conditions (PMID: 10677299, 21696385). ClinVar contains an entry for this variant (Variation ID: 6795). Invitae Evidence Modeling of protein sequence and biophysical properties (such as structural, functional, and spatial information, amino acid conservation, physicochemical variation, residue mobility, and thermodynamic stability) indicates that this missense variant is expected to disrupt DHCR7 protein function with a positive predictive value of 95%. This variant disrupts the p.Arg352 amino acid residue in DHCR7. Other variant(s) that disrupt this residue have been determined to be pathogenic (PMID: 9653161, 15521979, 18006960; internal data). This suggests that this residue is clinically significant, and that variants that disrupt this residue are likely to be disease-causing. For these reasons, this variant has been classified as Pathogenic.

Natera, Inc.
Classification: Pathogenic for Smith-Lemli-Opitz syndrome. Last evaluated: 2025-10-30. Review status: criteria provided, single submitter. Criteria: Natera Variant Classification Schema (03/2026). Collection method: clinical testing. Allele origin: germline.
Comment: The c.1055G>A variant in DHCR7 is a missense variant predicted to cause substitution of arginine to glutamine at amino acid 352. This variant is rare in the general population with a frequency below the threshold expected for the associated phenotype(s). This variant has been observed in one or more individuals affected with the associated recessive disease, as either homozygous or compound heterozygous with a second variant (PMID: 16044199). Computational prediction algorithms indicate this variant is likely to affect gene or protein function. Given the available evidence, this variant is classified as Pathogenic.

PreventionGenetics, part of Exact Sciences
Classification: Pathogenic for DHCR7-related condition. Last evaluated: 2025-07-08. Review status: criteria provided, single submitter. Criteria: ACMG Guidelines, 2015. Collection method: clinical testing. Allele origin: germline.
Comment: The DHCR7 c.1055G>A variant is predicted to result in the amino acid substitution p.Arg352Gln. This variant has been reported in the homozygous state or heterozygous state along with a second pathogenic DHCR7 variant in multiple patients with Smith-Lemli-Opitz syndrome (SLOS) (Witsch-Baumgartner et al 2000. PubMed ID: 10677299; Jezela-Stanek et al. 2010. PubMed ID: 20556518; Al-Owain et al. 2011. PubMed ID: 21696385). It has been reported to be particularly common in the Japanese population, where it was suggested to be a founder variant (Matsumoto et al. 2005. PubMed ID: 16044199). Alternate substitutions of the same amino acid (p.Arg352Trp, p.Arg352Leu) have also been reported in SLOS patients (Witsch-Baumgartner et al. 2000. PubMed ID: 10677299; Al-Owain et al. 2011. PubMed ID: 21696385). In an expression study, the p.Arg352Trp substitution lead to a substantial reduction in DHCR7 protein level (Witsch-Baumgartner et al 2000. PubMed ID: 10677299). The c.1055G>A (p.Arg352Gln) variant is present in 0.012% of alleles in individuals of African descent in gnomAD. Based on the collective evidence, this variant is interpreted as pathogenic.

Fulgent Genetics
Classification: Pathogenic for Smith-Lemli-Opitz syndrome. Last evaluated: 2024-03-02. Review status: criteria provided, single submitter. Criteria: ACMG Guidelines, 2015. Collection method: clinical testing. Allele origin: germline.

GeneDx
Classification: Pathogenic. Last evaluated: 2021-06-30. Review status: criteria provided, single submitter. Criteria: GeneDx Variant Classification Process June 2021. Collection method: clinical testing. Allele origin: germline. Affected: yes.
Comment: Published functional studies demonstrate reduced protein expression compared to wild-type (Prabhu et al., 2016); Not observed at significant frequency in large population cohorts (gnomAD); In silico analysis supports that this missense variant has a deleterious effect on protein structure/function; In addition, in silico splice predictors suggest this variant may lead to abnormal gene splicing; This variant is associated with the following publications: (PMID: 22975760, 16044199, 27401223, 27415407, 28166604, 21696385, 20556518, 18006960, 17441222, 9653161, 15521979, 27535533, 33836803, 26887953, 10677299)

Women's Health and Genetics/Laboratory Corporation of America, LabCorp
Classification: Pathogenic for Smith-Lemli-Opitz syndrome. Last evaluated: 2021-04-01. Review status: criteria provided, single submitter. Criteria: LabCorp Variant Classification Summary - May 2015. Collection method: clinical testing. Allele origin: germline.
Comment: Variant summary: DHCR7 c.1055G>A (p.Arg352Gln) results in a conservative amino acid change in the encoded protein sequence. Four of five in-silico tools predict a damaging effect of the variant on protein function. The variant allele was found at a frequency of 2.4e-05 in 248990 control chromosomes. c.1055G>A has been reported in the literature in multiple individuals affected with Smith-Lemli-Opitz Syndrome (example, Witsch-Baumgartner_2000, Matsumoto_2005). These data indicate that the variant is very likely to be associated with disease. At least one publication reports experimental evidence evaluating an impact on protein function. The most pronounced variant effect results in an approximately 75% reduction of DHCR7 protein stability that is rescued upon statin treatment (example, Prabhu_2016). Four clinical diagnostic laboratories have submitted clinical-significance assessments for this variant to ClinVar after 2014 without evidence for independent evaluation. All laboratories classified the variant as pathogenic. Based on the evidence outlined above, the variant was classified as pathogenic.

Blueprint Genetics
Classification: Pathogenic for DHCR7-related disorders. Last evaluated: 2021-03-23. Review status: criteria provided, single submitter. Criteria: ACMG Guidelines, 2015. Collection method: clinical testing. Allele origin: germline. Affected: yes. Observed: 2 variant alleles.

Myriad Genetics, Inc.
Classification: Pathogenic for Smith-Lemli-Opitz syndrome. Last evaluated: 2019-12-17. Review status: criteria provided, single submitter. Criteria: Myriad Women's Health Autosomal Recessive and X-Linked Classification Criteria (2019). Collection method: clinical testing. Allele origin: unknown.
Comment: NM_001360.2(DHCR7):c.1055G>A(R352Q) is classified as pathogenic in the context of Smith-Lemli-Opitz syndrome and is associated with moderate or mild forms of this disease. Sources cited for classification include the following: PMID 16044199, 21696385, 20556518, 10677299 and 17441222. Classification of NM_001360.2(DHCR7):c.1055G>A(R352Q) is based on the following criteria: This is a well-established pathogenic variant in the literature that has been observed more frequently in patients with clinical diagnoses than in healthy populations. Please note: this variant was assessed in the context of healthy population screening.

Eurofins Ntd Llc (ga)
Classification: Pathogenic. Last evaluated: 2015-07-31. Review status: criteria provided, single submitter. Criteria: EGL Classification Definitions 2015. Collection method: clinical testing. Allele origin: germline. Observed: 2 variant alleles, 2 heterozygotes.

OMIM
Classification: Pathogenic for SMITH-LEMLI-OPITZ SYNDROME. Last evaluated: 2005-01-01. Review status: no assertion criteria provided. Collection method: literature only. Allele origin: germline. Not counted in ClinVar's aggregate classification.

Diagnostic Laboratory, Department of Genetics, University Medical Center Groningen
Classification: Pathogenic. Review status: no assertion criteria provided. Collection method: clinical testing. Allele origin: germline. Affected: yes. Study: VKGL Data-share Consensus. Not counted in ClinVar's aggregate classification.

Joint Genome Diagnostic Labs from Nijmegen and Maastricht, Radboudumc and MUMC+
Classification: Pathogenic. Review status: no assertion criteria provided. Collection method: clinical testing. Allele origin: germline. Affected: yes. Study: VKGL Data-share Consensus. Not counted in ClinVar's aggregate classification.

Literature cited by the submitters: PubMed 10677299 (cited by 3 submitters); PubMed 21696385 (cited by 3 submitters); PubMed 9653161 (cited by Labcorp Genetics (formerly Invitae), Labcorp); PubMed 15521979 (cited by Labcorp Genetics (formerly Invitae), Labcorp); PubMed 18006960 (cited by Labcorp Genetics (formerly Invitae), Labcorp); PubMed 16044199 (cited by 5 submitters); PubMed 26887953 (cited by Women's Health and Genetics/Laboratory Corporation of America, LabCorp); PubMed 20556518 (cited by Myriad Genetics, Inc.); PubMed 17441222 (cited by Myriad Genetics, Inc.).

NM_001360.3(DHCR7):c.1055G>A (p.Arg352Gln)

Gene: DHCR7 (7-dehydrocholesterol reductase; minus strand). Cytogenetic location: 11q13.4.
Variant type: single nucleotide variant.
Coding change: c.1055G>A on transcript NM_001360.3 (MANE Select); coding-DNA position 1055, G replaced by A.
Protein change: p.Arg352Gln; replaces arginine 352 with glutamine.
Molecular consequence: missense variant.
Genome position (GRCh38, 1-based): chr11:71,435,748, C>T on the plus strand (G>A on the coding strand, the complement: DHCR7 is on the minus strand). VCF-style: chr11-71435748-C-T. GRCh37 (hg19) VCF-style: chr11-71146794-C-T.
Other names: c.1055G>A, p.Arg352Gln (NM_001163817.2); short protein forms R352Q.
Identifiers: ClinVar variation 6795 (VCV000006795.38), dbSNP rs121909768, ClinGen allele CA253952.